The following is an entry in ClinVar:

ClinVar aggregate classification (germline): Uncertain significance (1 of 4 stars; one submission).

Conditions:
Brachyolmia-amelogenesis imperfecta syndrome. Also called: PLATYSPONDYLY WITH AMELOGENESIS IMPERFECTA; Tooth agenesis, selective, 6; Dental anomalies and short stature. Identifiers: Orphanet 2899, MedGen C1832594, MONDO:0011018, OMIM 601216. Disease mechanism: loss of function.

Submission:

Labcorp Genetics (formerly Invitae), Labcorp
Classification: Uncertain significance for Brachyolmia-amelogenesis imperfecta syndrome. Last evaluated: 2024-06-17. Review status: criteria provided, single submitter. Criteria: Invitae Variant Classification Sherloc (09022015). Collection method: clinical testing. Allele origin: germline.
Comment: This sequence change falls in intron 15 of the LTBP3 gene. It does not directly change the encoded amino acid sequence of the LTBP3 protein. This variant is present in population databases (rs764824769, gnomAD 0.01%). This variant has not been reported in the literature in individuals affected with LTBP3-related conditions. Experimental studies and prediction algorithms are not available or were not evaluated, and the functional significance of this variant is currently unknown. In summary, the available evidence is currently insufficient to determine the role of this variant in disease. Therefore, it has been classified as a Variant of Uncertain Significance.

NM_001130144.3(LTBP3):c.2224_2230+14dup

Genes: LTBP3 (latent transforming growth factor beta binding protein 3; minus strand), LOC130006030 (ATAC-STARR-seq lymphoblastoid silent region 3533; plus strand). Cytogenetic location: 11q13.1.
Variant type: Duplication.
Coding change: c.2224_2230+14dup on transcript NM_001130144.3 (MANE Select); coding-DNA position 2224 through 14 bases into the intron after coding-DNA position 2230, 21 bases duplicated (TGTCGCGGTGAGGGCGGGGCC).
Molecular consequence: splice donor variant.
Genome position (GRCh38, 1-based): chr11:65,546,784-65,546,804, GGCCCCGCCCTCACCGCGACA duplicated on the plus strand (TGTCGCGGTGAGGGCGGGGCC on the coding strand, the reverse complement: LTBP3 is on the minus strand); duplicating any 21 consecutive bases within chr11:65,546,784-65,546,814 gives the same sequence; the c. name uses the placement nearest the transcript's 3' end. VCF-style (leftmost placement, unchanged base first): chr11-65546783-G-GGGCCCCGCCCTCACCGCGACA. GRCh37 (hg19) VCF-style: chr11-65314254-G-GGGCCCCGCCCTCACCGCGACA.
Other names: c.1873_1879+14dup (NM_001164266.1); c.2224_2230+14dup (NM_021070.4).
Identifiers: ClinVar variation 3709366 (VCV003709366.2).
Genomic context (GRCh38, chr11:65,546,783, plus strand): 5'-CCCCGCCCCCAGCGGAGCCAGACTGGGGGAGGCACCTGACGGCCCCACCCACTCGGCTCC[G>GGGCCCCGCCCTCACCGCGACA]GGCCCCGCCCTCACCGCGACAGGCCCCGCCCCCCTGGCTGCGGTAGCCAGGCTGACAGGC-3'